The following is an entry in ClinVar:

NM_178138.6(LHX3):c.743G>A (p.Gly248Glu)

Gene: LHX3 (LIM homeobox 3; minus strand). Cytogenetic location: 9q34.3.
Variant type: single nucleotide variant.
Coding change: c.743G>A on transcript NM_178138.6 (MANE Select); coding-DNA position 743, G replaced by A.
Protein change: p.Gly248Glu; replaces glycine 248 with glutamic acid.
Molecular consequence: missense variant.
Genome position (GRCh38, 1-based): chr9:136,198,684, C>T on the plus strand (G>A on the coding strand, the complement: LHX3 is on the minus strand). VCF-style: chr9-136198684-C-T. GRCh37 (hg19) VCF-style: chr9-139090530-C-T.
Other names: c.710G>A, p.Gly237Glu (NM_001363746.1); c.758G>A, p.Gly253Glu (NM_014564.5); short protein forms G237E, G248E, G253E.
Identifiers: ClinVar variation 2201036 (VCV002201036.2), dbSNP rs769250515, ClinGen allele CA5330391.

ClinVar aggregate classification (germline): Uncertain significance (1 of 4 stars; one submission).

Allele frequency attached by ClinVar (database versions not stated): TOPMed below 0.00001; gnomAD exomes 0.00001; ExAC 0.00005.

Submission:

Labcorp Genetics (formerly Invitae), Labcorp
Classification: Uncertain significance. Last evaluated: 2022-01-02. Review status: criteria provided, single submitter. Criteria: Invitae Variant Classification Sherloc (09022015). Collection method: clinical testing. Allele origin: germline.
Comment: In summary, the available evidence is currently insufficient to determine the role of this variant in disease. Therefore, it has been classified as a Variant of Uncertain Significance. Algorithms developed to predict the effect of missense changes on protein structure and function are either unavailable or do not agree on the potential impact of this missense change (SIFT: "Not Available"; PolyPhen-2: "Benign"; Align-GVGD: "Not Available"). This variant has not been reported in the literature in individuals affected with LHX3-related conditions. This variant is present in population databases (rs769250515, gnomAD 0.01%). This sequence change replaces glycine, which is neutral and non-polar, with glutamic acid, which is acidic and polar, at codon 253 of the LHX3 protein (p.Gly253Glu).